The following is an entry in ClinVar:

ClinVar aggregate classification (germline): Uncertain significance (1 of 4 stars; one submission).

Submission:

Women's Health and Genetics/Laboratory Corporation of America, LabCorp
Classification: Uncertain significance. Last evaluated: 2024-08-08. Review status: criteria provided, single submitter. Criteria: LabCorp Variant Classification Summary - May 2015. Collection method: clinical testing. Allele origin: germline.
Comment: Variant summary: The variant involves the duplication of exons 1-6 in the GTPBP3 gene. A presumed nomenclature of c.(?_-60)_(1070+1_1071-1)dup has been designated for the purposes of this classification. The exact breakpoint at the 5' end of this variant is unknown, therefore this duplication may extend upstream of the annotated region of this gene. This variant is predicted to duplicate a segment including the initiation codon, therefore its impact on the encoded protein is unknown. The frequency of this variant in the general population could not be determined as the technology used for large population databases (ExAC, gnomAD SV v2, ESP, 1000G) cannot detect variants of this type. The available data on variant occurrences in the general population are insufficient to allow any conclusion about variant significance. To our knowledge, no occurrence of c.(?_-60)_(1070+1_1071-1)dup in individuals affected with Combined Oxidative Phosphorylation Defect Type 23 and no experimental evidence demonstrating its impact on protein function have been reported. ClinVar contains an entry for this variant (Variation ID: 2429304, 3064012). Based on the evidence outlined above, the variant was classified as uncertain significance.

NC_000019.9:g.(?_17448361)_(17450409_17451852)dup

Gene: GTPBP3 (GTP binding protein 3, mitochondrial; plus strand). Cytogenetic location: 19p13.11.
Variant type: Duplication.
Identifiers: ClinVar variation 3064012 (VCV003064012.3).